The following is an entry in ClinVar:

ClinVar aggregate classification (germline): Benign/Likely benign. Review status: criteria provided, multiple submitters, no conflicts (2 of 4 stars). 2 submissions from 2 submitters: Benign (1); Likely benign (1). Last evaluated 2025-12-16.

Conditions:
Coffin-Lowry syndrome (CLS). Also called: COFFIN-LOWRY SYNDROME, MILD; Mental retardation with osteocartilaginous abnormalities. Identifiers: Orphanet 192, MedGen C0265252, MONDO:0010561, OMIM 303600.
Intellectual developmental disorder, X-linked 19. Also called: Intellectual disability, X-linked 19. Identifiers: Orphanet 777, MedGen C0796225, MONDO:0010447, OMIM 300844.
RPS6KA3-related disorder. Also called: RPS6KA3-related condition.

Allele frequency attached by ClinVar (database versions not stated): gnomAD 0.00003; TOPMed 0.00003; gnomAD exomes 0.00004; ExAC 0.00011.
gnomAD v4.1: 30 of 798,709 alleles (0.0038%); highest among the groups gnomAD compares: Admixed American, 0.012%; no homozygotes.

Submissions (2):

Labcorp Genetics (formerly Invitae), Labcorp
Classification: Benign for Coffin-Lowry syndrome; Intellectual developmental disorder, X-linked 19. Last evaluated: 2025-12-16. Review status: criteria provided, single submitter. Criteria: Invitae Variant Classification Sherloc (09022015). Collection method: clinical testing. Allele origin: germline.

PreventionGenetics, part of Exact Sciences
Classification: Likely benign for RPS6KA3-related condition. Last evaluated: 2025-04-09. Review status: criteria provided, single submitter. Criteria: ACMG Guidelines, 2015. Collection method: clinical testing. Allele origin: germline.
Comment: This variant is classified as likely benign based on ACMG/AMP sequence variant interpretation guidelines (Richards et al. 2015 PMID: 25741868, with internal and published modifications).

NM_004586.3(RPS6KA3):c.1842-7A>G

Gene: RPS6KA3 (ribosomal protein S6 kinase A3; minus strand). Cytogenetic location: Xp22.12.
Variant type: single nucleotide variant.
Coding change: c.1842-7A>G on transcript NM_004586.3 (MANE Select); 7 bases into the intron before coding-DNA position 1842, A replaced by G.
Molecular consequence: intron variant.
Genome position (GRCh38, 1-based): chrX:20,161,768, T>C on the plus strand (A>G on the coding strand, the complement: RPS6KA3 is on the minus strand). VCF-style: chrX-20161768-T-C. GRCh37 (hg19) VCF-style: chrX-20179886-T-C.
Other names: c.1842-7A>G (NM_004586.2).
Identifiers: ClinVar variation 2064860 (VCV002064860.5), dbSNP rs748517305, ClinGen allele CA10366057.